The following is an entry in ClinVar:

NM_032634.4(PIGO):c.764T>C (p.Met255Thr)

Gene: PIGO (phosphatidylinositol glycan anchor biosynthesis class O; minus strand). Cytogenetic location: 9p13.3.
Variant type: single nucleotide variant.
Coding change: c.764T>C on transcript NM_032634.4 (MANE Select); coding-DNA position 764, T replaced by C.
Protein change: p.Met255Thr; replaces methionine 255 with threonine.
Molecular consequence: missense variant.
Genome position (GRCh38, 1-based): chr9:35,093,916, A>G on the plus strand (T>C on the coding strand, the complement: PIGO is on the minus strand). VCF-style: chr9-35093916-A-G. GRCh37 (hg19) VCF-style: chr9-35093913-A-G.
Other names: c.764T>C, p.Met255Thr (NM_001201484.2, NM_152850.4); short protein forms M255T.
Identifiers: ClinVar variation 956923 (VCV000956923.9), dbSNP rs1829550983, ClinGen allele CA373323544.
Genomic context (GRCh38, chr9:35,093,916, plus strand): 5'-TTCTCAGACACAAACCCACTCCCCCAGCCAATACCCCACACTCACTGGATCACCTGGTCC[A>G]TCTGGCTAAGTTTCTTGGCCATTTCAGGGTGGTGAGGGCCATGCTTGTGGCCACAGTGGT-3'
Protein context (NP_116023.2, residues 245-265): HPEMAKKLSQ[Met255Thr]DQVIQGLVER

ClinVar aggregate classification (germline): Uncertain significance (1 of 4 stars; one submission).

Conditions:
Hyperphosphatasia with impaired intellectual development syndrome 2. Also called: Hyperphosphatasia with intellectual disability syndrome 2; GLYCOSYLPHOSPHATIDYLINOSITOL BIOSYNTHESIS DEFECT 6. Identifiers: Orphanet 247262, MedGen C3553637, MONDO:0013882, OMIM 614749.

Submission:

Labcorp Genetics (formerly Invitae), Labcorp
Classification: Uncertain significance for Hyperphosphatasia with impaired intellectual development syndrome 2. Last evaluated: 2019-10-20. Review status: criteria provided, single submitter. Criteria: Invitae Variant Classification Sherloc (09022015). Collection method: clinical testing. Allele origin: germline.
Comment: This variant has not been reported in the literature in individuals with PIGO-related conditions. This sequence change replaces methionine with threonine at codon 255 of the PIGO protein (p.Met255Thr). The methionine residue is highly conserved and there is a moderate physicochemical difference between methionine and threonine. This variant is not present in population databases (ExAC no frequency). Algorithms developed to predict the effect of missense changes on protein structure and function are either unavailable or do not agree on the potential impact of this missense change (SIFT: "Tolerated"; PolyPhen-2: "Possibly Damaging"; Align-GVGD: "Class C0"). In summary, the available evidence is currently insufficient to determine the role of this variant in disease. Therefore, it has been classified as a Variant of Uncertain Significance.